The following is an entry in ClinVar:

NC_000011.9:g.(?_47462700)_(47463483_?)del

Gene: RAPSN (receptor associated protein of the synapse; minus strand). Cytogenetic location: 11p11.2.
Variant type: Deletion.
Identifiers: ClinVar variation 2425287 (VCV002425287.3).

ClinVar aggregate classification (germline): Pathogenic (1 of 4 stars; one submission).

Conditions:
Congenital myasthenic syndrome 11. Also called: MYASTHENIC SYNDROME, CONGENITAL, Ie; Myasthenic syndrome, congenital, 11, associated with acetylcholine receptor deficiency. Identifiers: Orphanet 590, MedGen C4225367, MONDO:0014588, OMIM 616326.
Fetal akinesia deformation sequence 1 (FADS1). Also called: Pena-Shokeir syndrome type I; Fetal akinesia sequence. Identifiers: Orphanet 994, MedGen C1276035, MONDO:0100101, OMIM 208150, HP:0001989.

Submission:

Labcorp Genetics (formerly Invitae), Labcorp
Classification: Pathogenic for Congenital myasthenic syndrome 11; Fetal akinesia deformation sequence 1. Last evaluated: 2022-09-24. Review status: criteria provided, single submitter. Criteria: Invitae Variant Classification Sherloc (09022015). Collection method: clinical testing. Allele origin: germline.
Comment: For these reasons, this variant has been classified as Pathogenic. This variant disrupts a region of the RAPSN protein in which other variant(s) (p.Gly291Asp) have been determined to be pathogenic (PMID: 12796535). This suggests that this is a clinically significant region of the protein, and that variants that disrupt it are likely to be disease-causing. This variant has not been reported in the literature in individuals affected with RAPSN-related conditions. This variant is a gross deletion of the genomic region encompassing exon(s) 4-6 of the RAPSN gene. This variant would be expected to be in-frame, preserving the integrity of the reading frame.

Literature cited by the submitters: PubMed 12796535.